The following is an entry in ClinVar:

NM_000057.4(BLM):c.2307+5G>A

Gene: BLM (BLM RecQ like helicase; plus strand). Cytogenetic location: 15q26.1.
Variant type: single nucleotide variant.
Coding change: c.2307+5G>A on transcript NM_000057.4 (MANE Select); 5 bases into the intron after coding-DNA position 2307, G replaced by A.
Molecular consequence: intron variant.
Genome position (GRCh38, 1-based): chr15:90,767,028, G>A. VCF-style: chr15-90767028-G-A. GRCh37 (hg19) VCF-style: chr15-91310258-G-A.
Other names: c.2307+5G>A (NM_001287246.2, NM_001287247.2); c.1182+5G>A (NM_001287248.2).
Identifiers: ClinVar variation 651082 (VCV000651082.13), dbSNP rs1596236061, ClinGen allele CA915946155.

ClinVar aggregate classification (germline): Uncertain significance. Review status: criteria provided, multiple submitters, no conflicts (2 of 4 stars). 4 submissions from 4 submitters: Uncertain significance (4). Last evaluated 2025-07-17.

Conditions:
Hereditary cancer-predisposing syndrome. Also called: Neoplastic Syndromes, Hereditary; Tumor predisposition; Hereditary Cancer Syndrome; Hereditary neoplastic syndrome. Identifiers: Orphanet 140162, MedGen C0027672, MeSH D009386, MONDO:0015356.
Bloom syndrome (BLM). Also called: Bloom-Torre-Machacek syndrome. Identifiers: Orphanet 125, MedGen C0005859, MONDO:0008876, OMIM 210900.

gnomAD v4.1: 2 of 1,468,256 alleles (0.00014%); highest among the groups gnomAD compares: Non-Finnish European, 0.00019%; no homozygotes.

Submissions (4):

Labcorp Genetics (formerly Invitae), Labcorp
Classification: Uncertain significance for Bloom syndrome. Last evaluated: 2025-07-17. Review status: criteria provided, single submitter. Criteria: Invitae Variant Classification Sherloc (09022015). Collection method: clinical testing. Allele origin: germline.
Comment: This sequence change falls in intron 10 of the BLM gene. It does not directly change the encoded amino acid sequence of the BLM protein. It affects a nucleotide within the consensus splice site. This variant is not present in population databases (gnomAD no frequency). This variant has not been reported in the literature in individuals affected with BLM-related conditions. ClinVar contains an entry for this variant (Variation ID: 651082). Variants that disrupt the consensus splice site are a relatively common cause of aberrant splicing (PMID: 17576681, 9536098). Algorithms developed to predict the effect of sequence changes on RNA splicing suggest that this variant may disrupt the consensus splice site. In summary, the available evidence is currently insufficient to determine the role of this variant in disease. Therefore, it has been classified as a Variant of Uncertain Significance.

Ambry Genetics
Classification: Uncertain significance for Hereditary cancer-predisposing syndrome. Last evaluated: 2024-03-12. Review status: criteria provided, single submitter. Criteria: Ambry Variant Classification Scheme 2023. Collection method: clinical testing. Allele origin: germline.
Comment: The c.2307+5G>A intronic variant results from a G to A substitution 5 nucleotides after coding exon 9 in the BLM gene. This nucleotide position is highly conserved in available vertebrate species. In silico splice site analysis predicts that this alteration will weaken the native splice donor site. Based on the available evidence, the clinical significance of this alteration remains unclear.

Quest Diagnostics Nichols Institute San Juan Capistrano
Classification: Uncertain significance. Last evaluated: 2023-06-23. Review status: criteria provided, single submitter. Criteria: Quest Diagnostics criteria. Collection method: clinical testing. Allele origin: unknown.
Comment: This variant has not been reported in the published literature. It also has not been reported in large, multi-ethnic general populations (Genome Aggregation Database). Analysis of this variant using software algorithms for the prediction of the effect of nucleotide changes on splicing yielded predictions that this variant may affect proper BLM mRNA splicing . Based on the available information, we are unable to determine the clinical significance of this variant.

Sema4
Classification: Uncertain significance for Hereditary cancer-predisposing syndrome. Last evaluated: 2022-01-06. Review status: criteria provided, single submitter. Criteria: Sema4 Curation Guidelines. Collection method: curation. Allele origin: germline.
Comment: The BLM c.2307+5G>A variant has not been reported in the literature to our knowledge. It was not observed in the large and broad cohorts of the Genome Aggregation Database (PMID: 32461654). The variant has been reported in ClinVar (Variation ID 651082). Splice site prediction tools suggest the variant may disrupt normal splicing, however these predictions have not been confirmed by transcriptional studies. The evidence is insufficient to meet ACMG/AMP criteria for classifying the variant as benign or pathogenic. Thus, the clinical significance of this variant is currently uncertain.

Literature cited by the submitters: PubMed 17576681 (cited by Labcorp Genetics (formerly Invitae), Labcorp); PubMed 9536098 (cited by Labcorp Genetics (formerly Invitae), Labcorp).